The following is an entry in ClinVar:

ClinVar aggregate classification (germline): Uncertain significance (1 of 4 stars; one submission).

Conditions:
Nemaline myopathy 2 (NEM2). Also called: Nemaline myopathy 2, autosomal recessive. Identifiers: MedGen C1850569, MONDO:0009725, OMIM 256030.

Submission:

Labcorp Genetics (formerly Invitae), Labcorp
Classification: Uncertain significance for Nemaline myopathy 2. Last evaluated: 2022-07-19. Review status: criteria provided, single submitter. Criteria: Invitae Variant Classification Sherloc (09022015). Collection method: clinical testing. Allele origin: germline.
Comment: This sequence change replaces glycine, which is neutral and non-polar, with valine, which is neutral and non-polar, at codon 3283 of the NEB protein (p.Gly3283Val). This variant is not present in population databases (gnomAD no frequency). This variant has not been reported in the literature in individuals affected with NEB-related conditions. ClinVar contains an entry for this variant (Variation ID: 1415113). Algorithms developed to predict the effect of missense changes on protein structure and function are either unavailable or do not agree on the potential impact of this missense change (SIFT: "Deleterious"; PolyPhen-2: "Not Available"; Align-GVGD: "Class C0"). In summary, the available evidence is currently insufficient to determine the role of this variant in disease. Therefore, it has been classified as a Variant of Uncertain Significance.

NM_001164508.2(NEB):c.9848G>T (p.Gly3283Val)

Gene: NEB (nebulin; minus strand). Cytogenetic location: 2q23.3.
Variant type: single nucleotide variant.
Coding change: c.9848G>T on transcript NM_001164508.2 (MANE Select); coding-DNA position 9848, G replaced by T.
Protein change: p.Gly3283Val; replaces glycine 3283 with valine.
Molecular consequence: missense variant.
Genome position (GRCh38, 1-based): chr2:151,627,818, C>A on the plus strand (G>T on the coding strand, the complement: NEB is on the minus strand). VCF-style: chr2-151627818-C-A. GRCh37 (hg19) VCF-style: chr2-152484332-C-A.
Other names: c.9848G>T, p.Gly3283Val (NM_001164507.2, NM_001271208.2); c.9119G>T, p.Gly3040Val (NM_004543.5); short protein forms G3283V, G3040V.
Identifiers: ClinVar variation 1415113 (VCV001415113.3), dbSNP rs2098553051, ClinGen allele CA348796262.